The following is an entry in ClinVar:

NM_001134232.2(TMEM106B):c.119G>C (p.Gly40Ala)

Gene: TMEM106B (transmembrane protein 106B; plus strand). Cytogenetic location: 7p21.3.
Variant type: single nucleotide variant.
Coding change: c.119G>C on transcript NM_001134232.2 (MANE Select); coding-DNA position 119, G replaced by C.
Protein change: p.Gly40Ala; replaces glycine 40 with alanine.
Molecular consequence: missense variant.
Genome position (GRCh38, 1-based): chr7:12,214,929, G>C. VCF-style: chr7-12214929-G-C. GRCh37 (hg19) VCF-style: chr7-12254555-G-C.
Other names: c.119G>C, p.Gly40Ala (NM_018374.4); short protein forms G40A.
Identifiers: ClinVar variation 2221734 (VCV002221734.5), dbSNP rs759330785, ClinGen allele CA4164976.

ClinVar aggregate classification (germline): Uncertain significance. Review status: criteria provided, multiple submitters, no conflicts (2 of 4 stars). 2 submissions from 2 submitters: Uncertain significance (2). Last evaluated 2022-11-15.

Conditions:
Inborn genetic diseases. Identifiers: MedGen C0950123, MeSH D030342.

Allele frequency attached by ClinVar (database versions not stated): gnomAD exomes below 0.00001; ExAC 0.00001; gnomAD 0.00001; TOPMed 0.00001.
gnomAD v4.1: 2 of 1,613,968 alleles (0.00012%); highest among the groups gnomAD compares: Non-Finnish European, 0.00017%; no homozygotes.

Submissions (2):

Labcorp Genetics (formerly Invitae), Labcorp
Classification: Uncertain significance. Last evaluated: 2022-11-15. Review status: criteria provided, single submitter. Criteria: Invitae Variant Classification Sherloc (09022015). Collection method: clinical testing. Allele origin: germline.
Comment: This sequence change replaces glycine, which is neutral and non-polar, with alanine, which is neutral and non-polar, at codon 40 of the TMEM106B protein (p.Gly40Ala). In summary, the available evidence is currently insufficient to determine the role of this variant in disease. Therefore, it has been classified as a Variant of Uncertain Significance. Advanced modeling of protein sequence and biophysical properties (such as structural, functional, and spatial information, amino acid conservation, physicochemical variation, residue mobility, and thermodynamic stability) performed at Invitae indicates that this missense variant is not expected to disrupt TMEM106B protein function. This variant has not been reported in the literature in individuals affected with TMEM106B-related conditions. This variant is present in population databases (rs759330785, gnomAD 0.0009%).

Ambry Genetics
Classification: Uncertain significance for Inborn genetic diseases. Last evaluated: 2022-05-27. Review status: criteria provided, single submitter. Criteria: Ambry Variant Classification Scheme 2023. Collection method: clinical testing. Allele origin: germline.